The following is an entry in ClinVar:

ClinVar aggregate classification (germline): Uncertain significance (1 of 4 stars; one submission).

Allele frequency attached by ClinVar (database versions not stated): ExAC 0.00005; ESP Exome Variant Server 0.00015; 1000 Genomes Project 30x 0.00016; 1000 Genomes Project 0.00020; TOPMed 0.00023; gnomAD 0.00029 and 0.00032.
gnomAD v4.1: 92 of 1,612,446 alleles (0.0057%); highest among the groups gnomAD compares: African/African-American, 0.12%; no homozygotes.

Submission:

Labcorp Genetics (formerly Invitae), Labcorp
Classification: Uncertain significance. Last evaluated: 2024-10-28. Review status: criteria provided, single submitter. Criteria: Invitae Variant Classification Sherloc (09022015). Collection method: clinical testing. Allele origin: germline.
Comment: This sequence change replaces proline, which is neutral and non-polar, with alanine, which is neutral and non-polar, at codon 214 of the AHR protein (p.Pro214Ala). This variant is present in population databases (rs149809382, gnomAD 0.07%). This variant has not been reported in the literature in individuals affected with AHR-related conditions. ClinVar contains an entry for this variant (Variation ID: 836826). An algorithm developed to predict the effect of missense changes on protein structure and function (PolyPhen-2) suggests that this variant¬†is likely to be tolerated. In summary, the available evidence is currently insufficient to determine the role of this variant in disease. Therefore, it has been classified as a Variant of Uncertain Significance.

NM_001621.5(AHR):c.640C>G (p.Pro214Ala)

Gene: AHR (aryl hydrocarbon receptor; plus strand). Cytogenetic location: 7p21.1.
Variant type: single nucleotide variant.
Coding change: c.640C>G on transcript NM_001621.5 (MANE Select); coding-DNA position 640, C replaced by G.
Protein change: p.Pro214Ala; replaces proline 214 with alanine.
Molecular consequence: missense variant.
Genome position (GRCh38, 1-based): chr7:17,330,821, C>G. VCF-style: chr7-17330821-C-G. GRCh37 (hg19) VCF-style: chr7-17370445-C-G.
Other names: short protein forms P214A.
Identifiers: ClinVar variation 836826 (VCV000836826.6), dbSNP rs149809382, ClinGen allele CA4171896.